The following is an entry in ClinVar:

ClinVar aggregate classification (germline): Benign/Likely benign. Review status: criteria provided, multiple submitters, no conflicts (2 of 4 stars). 4 submissions from 4 submitters: Benign (1); Likely benign (2). 1 of the submissions does not count toward it. Last evaluated 2026-07-01.

Conditions:
APC2-related disorder. Also called: APC2-Related Disorders; APC2-related condition.

Allele frequency attached by ClinVar (database versions not stated): gnomAD exomes 0.00076; gnomAD 0.00089 and 0.00091.

Submissions (4):

CeGaT Center for Human Genetics Tuebingen
Classification: Likely benign. Last evaluated: 2026-07-01. Review status: criteria provided, single submitter. Criteria: CeGaT Center For Human Genetics Tuebingen Variant Classification Criteria Version 2. Collection method: clinical testing. Allele origin: germline. Affected: yes. Observed: 7 variant alleles.
Comment: APC2: BP4, BP7

Labcorp Genetics (formerly Invitae), Labcorp
Classification: Benign. Last evaluated: 2026-01-12. Review status: criteria provided, single submitter. Criteria: Invitae Variant Classification Sherloc (09022015). Collection method: clinical testing. Allele origin: germline.

Blueprint Genetics
Classification: Likely benign. Last evaluated: 2024-10-15. Review status: criteria provided, single submitter. Criteria: ACMG Guidelines, 2015. Collection method: clinical testing. Allele origin: germline.

PreventionGenetics, part of Exact Sciences
Classification: Likely benign for APC2-related condition. Last evaluated: 2021-09-30. Review status: no assertion criteria provided. Collection method: clinical testing. Allele origin: germline. Not counted in ClinVar's aggregate classification.
Comment: This variant is classified as likely benign based on ACMG/AMP sequence variant interpretation guidelines (Richards et al. 2015 PMID: 25741868, with internal and published modifications).

NM_005883.3(APC2):c.2148C>G (p.Pro716=)

Gene: APC2 (APC regulator of Wnt signaling pathway 2; plus strand). Cytogenetic location: 19p13.3.
Variant type: single nucleotide variant.
Coding change: c.2148C>G on transcript NM_005883.3 (MANE Select); coding-DNA position 2148, C replaced by G.
Protein change: p.Pro716=; no amino-acid change (proline 716 retained).
Molecular consequence: synonymous variant.
Genome position (GRCh38, 1-based): chr19:1,465,449, C>G. VCF-style: chr19-1465449-C-G. GRCh37 (hg19) VCF-style: chr19-1465448-C-G.
Other names: c.2145C>G, p.Pro715= (NM_001351273.1); c.2148C>G (NM_005883.2).
Identifiers: ClinVar variation 1566694 (VCV001566694.38), dbSNP rs545754702, ClinGen allele CA9045392.